The following is an entry in ClinVar:

ClinVar aggregate classification (germline): Benign/Likely benign. Review status: criteria provided, multiple submitters, no conflicts (2 of 4 stars). 4 submissions from 4 submitters: Benign (1); Likely benign (3). Last evaluated 2026-02-01.

Conditions:
Orofaciodigital syndrome type 6 (OFD6). Also called: Y-shaped central metacarpal and cerebellar defect; Joubert syndrome with orofacialdigital anomalies; OROFACIODIGITAL SYNDROME VI; OFDS VI; POLYDACTYLY, CLEFT LIP/PALATE OR LINGUAL LUMP, AND PSYCHOMOTOR RETARDATION; VARADI SYNDROME. Identifiers: Orphanet 2754, MedGen C2745997, MONDO:0010176, OMIM 277170.
Joubert syndrome 17 (JBTS17). Identifiers: Orphanet 475, MedGen C3553264, MONDO:0013824, OMIM 614615.

Allele frequency attached by ClinVar (database versions not stated): gnomAD exomes 0.00021 and 0.00094; gnomAD 0.00031 and 0.00037; TOPMed 0.00061; ExAC 0.00097; 1000 Genomes Project 30x 0.00156; 1000 Genomes Project 0.00180.
gnomAD v4.1: 369 of 1,614,100 alleles (0.023%); highest among the groups gnomAD compares: East Asian, 0.74%; 3 homozygotes.

Submissions (4):

Labcorp Genetics (formerly Invitae), Labcorp
Classification: Benign. Last evaluated: 2026-02-01. Review status: criteria provided, single submitter. Criteria: Invitae Variant Classification Sherloc (09022015). Collection method: clinical testing. Allele origin: germline.

Blueprint Genetics
Classification: Likely benign. Last evaluated: 2024-11-04. Review status: criteria provided, single submitter. Criteria: ACMG Guidelines, 2015. Collection method: clinical testing. Allele origin: germline.

Fulgent Genetics
Classification: Likely benign for Orofaciodigital syndrome type 6; Joubert syndrome 17. Last evaluated: 2022-05-15. Review status: criteria provided, single submitter. Criteria: ACMG Guidelines, 2015. Collection method: clinical testing. Allele origin: unknown.

Illumina Laboratory Services, Illumina
Classification: Likely benign for Joubert syndrome 17. Last evaluated: 2018-01-12. Review status: criteria provided, single submitter. Criteria: ICSL Variant Classification Criteria 13 December 2019. Collection method: clinical testing. Allele origin: germline.
Comment: This variant was observed in the ICSL laboratory as part of a predisposition screen in an ostensibly healthy population. It had not been previously curated by ICSL or reported in the Human Gene Mutation Database (HGMD: prior to June 1st, 2018), and was therefore a candidate for classification through an automated scoring system. Utilizing variant allele frequency, disease prevalence and penetrance estimates, and inheritance mode, an automated score was calculated to assess if this variant is too frequent to cause the disease. Based on the score and internal cut-off values, a variant classified as likely benign is not then subjected to further curation. The score for this variant resulted in a classification of likely benign for this disease.

NM_001384732.1(CPLANE1):c.6443A>G (p.Asn2148Ser)

Gene: CPLANE1 (ciliogenesis and planar polarity effector complex subunit 1; minus strand). Cytogenetic location: 5p13.2.
Variant type: single nucleotide variant.
Coding change: c.6443A>G on transcript NM_001384732.1 (MANE Select); coding-DNA position 6443, A replaced by G.
Protein change: p.Asn2148Ser; replaces asparagine 2148 with serine.
Molecular consequence: missense variant.
Genome position (GRCh38, 1-based): chr5:37,170,060, T>C on the plus strand (A>G on the coding strand, the complement: CPLANE1 is on the minus strand). VCF-style: chr5-37170060-T-C. GRCh37 (hg19) VCF-style: chr5-37170162-T-C.
Other names: c.6443A>G, p.Asn2148Ser (NM_023073.4); short protein forms N2148S.
Identifiers: ClinVar variation 353443 (VCV000353443.14), dbSNP rs150999024, ClinGen allele CA3238262.
Genomic context (GRCh38, chr5:37,170,060, plus strand): 5'-CCACCGCGCCCAGCCATTAATGGTATTTTTACATACATTACCTGTACGTTTCCAGTACTA[T>C]TTTGACCAGATGGGATAGTTCCTTCATGGCAGTGTGGGCTGTTCTTGCGAGGCTCTCTGG-3'
Protein context (NP_001371661.1, residues 2138-2158): CHEGTIPSGQ[Asn2148Ser]STGNVQNVPH